The following is an entry in ClinVar:

NM_000836.4(GRIN2D):c.1229G>A (p.Arg410His)

Gene: GRIN2D (glutamate ionotropic receptor NMDA type subunit 2D; plus strand). Cytogenetic location: 19q13.33.
Variant type: single nucleotide variant.
Coding change: c.1229G>A on transcript NM_000836.4 (MANE Select); coding-DNA position 1229, G replaced by A.
Protein change: p.Arg410His; replaces arginine 410 with histidine.
Molecular consequence: missense variant.
Genome position (GRCh38, 1-based): chr19:48,414,401, G>A. VCF-style: chr19-48414401-G-A. GRCh37 (hg19) VCF-style: chr19-48917658-G-A.
Other names: short protein forms R410H.
Identifiers: ClinVar variation 3780989 (VCV003780989.1).

ClinVar aggregate classification (germline): Likely benign (1 of 4 stars; one submission).

gnomAD v4.1: 3 of 1,608,828 alleles (0.00019%); highest among the groups gnomAD compares: African/African-American, 0.0027%; no homozygotes.

Submission:

GeneDx
Classification: Likely benign. Last evaluated: 2024-10-16. Review status: criteria provided, single submitter. Criteria: GeneDx Variant Classification Process June 2021. Collection method: clinical testing. Allele origin: germline. Affected: yes.
Comment: See Variant Classification Assertion Criteria.